The following is an entry in ClinVar:

NM_006767.4(LZTR1):c.2220C>A (p.Leu740=)

Gene: LZTR1 (leucine zipper like post translational regulator 1; plus strand). Cytogenetic location: 22q11.21.
Variant type: single nucleotide variant.
Coding change: c.2220C>A on transcript NM_006767.4 (MANE Select); coding-DNA position 2220, C replaced by A.
Protein change: p.Leu740=; no amino-acid change (leucine 740 retained).
Molecular consequence: synonymous variant.
Genome position (GRCh38, 1-based): chr22:20,996,696, C>A. VCF-style: chr22-20996696-C-A. GRCh37 (hg19) VCF-style: chr22-21350985-C-A.
Identifiers: ClinVar variation 3659878 (VCV003659878.2).

ClinVar aggregate classification (germline): Uncertain significance (1 of 4 stars; one submission).

Submission:

Labcorp Genetics (formerly Invitae), Labcorp
Classification: Uncertain significance. Last evaluated: 2024-07-19. Review status: criteria provided, single submitter. Criteria: Invitae Variant Classification Sherloc (09022015). Collection method: clinical testing. Allele origin: germline.
Comment: This sequence change affects codon 740 of the LZTR1 mRNA. It is a 'silent' change, meaning that it does not change the encoded amino acid sequence of the LZTR1 protein. It affects a nucleotide within the consensus splice site. This variant is not present in population databases (gnomAD no frequency). This variant has not been reported in the literature in individuals affected with LZTR1-related conditions. Algorithms developed to predict the effect of sequence changes on RNA splicing suggest that this variant is not likely to affect RNA splicing. In summary, the available evidence is currently insufficient to determine the role of this variant in disease. Therefore, it has been classified as a Variant of Uncertain Significance.